The following is an entry in ClinVar:

NM_001173990.3(TMEM216):c.389C>G (p.Ser130Ter)

Gene: TMEM216 (transmembrane protein 216; plus strand). Cytogenetic location: 11q12.2.
Variant type: single nucleotide variant.
Coding change: c.389C>G on transcript NM_001173990.3 (MANE Select); coding-DNA position 389, C replaced by G.
Protein change: p.Ser130Ter; replaces serine 130 with a stop codon.
Molecular consequence: nonsense.
Genome position (GRCh38, 1-based): chr11:61,397,933, C>G. VCF-style: chr11-61397933-C-G. GRCh37 (hg19) VCF-style: chr11-61165405-C-G.
Other names: c.389C>G, p.Ser130Ter (NM_001173991.3); c.206C>G, p.Ser69Ter (NM_001330285.2, NM_016499.6); short protein forms S69*, S130*.
Identifiers: ClinVar variation 5004262 (VCV005004262.1).

ClinVar aggregate classification (germline): Uncertain significance (1 of 4 stars; one submission).

Conditions:
Ciliopathy. Also called: Ciliopathies. Identifiers: Orphanet 363250, MedGen C4277690, MONDO:0005308, MeSH D000072661.

Submission:

Myriad Genetics, Inc.
Classification: Uncertain significance for Ciliopathy. Last evaluated: 2025-11-05. Review status: criteria provided, single submitter. Criteria: Myriad Autosomal Dominant, Autosomal Recessive and X-Linked Classification Criteria (2023). Collection method: clinical testing. Allele origin: unknown.
Comment: NM_001173990.2(TMEM216):c.389C>G(S130*) is a nonsense variant classified as a variant of uncertain significance in the context of Joubert syndrome 2. S130* has not been observed in cases with relevant disease. Relevant functional assessments of this variant are not available in the literature. S130* has not been observed in referenced population frequency databases. In summary, there is insufficient evidence to classify NM_001173990.2(TMEM216):c.389C>G(S130*) as pathogenic or benign. Please note: this variant was assessed in the context of healthy population screening.